The following is an entry in ClinVar:

NM_017617.5(NOTCH1):c.5561G>A (p.Arg1854His)

Gene: NOTCH1 (notch receptor 1; minus strand). Cytogenetic location: 9q34.3.
Variant type: single nucleotide variant.
Coding change: c.5561G>A on transcript NM_017617.5 (MANE Select); coding-DNA position 5561, G replaced by A.
Protein change: p.Arg1854His; replaces arginine 1854 with histidine.
Molecular consequence: missense variant.
Genome position (GRCh38, 1-based): chr9:136,501,825, C>T on the plus strand (G>A on the coding strand, the complement: NOTCH1 is on the minus strand). VCF-style: chr9-136501825-C-T. GRCh37 (hg19) VCF-style: chr9-139396277-C-T.
Other names: c.5561G>A, p.Arg1854His (LRG_1122t1); short protein forms R1854H.
Identifiers: ClinVar variation 241152 (VCV000241152.12), dbSNP rs878855028, ClinGen allele CA10582641.

ClinVar aggregate classification (germline): Conflicting classifications of pathogenicity. Review status: criteria provided, conflicting classifications (1 of 4 stars). 3 submissions from 3 submitters: Uncertain significance (2); Likely benign (1). Last evaluated 2026-01-18.

Conditions:
Adams-Oliver syndrome 5 (AOS5). Identifiers: Orphanet 974, MedGen C4014970, MONDO:0014459, OMIM 616028.
Familial thoracic aortic aneurysm and aortic dissection (TAAD). Also called: Thoracic aortic aneurysms and dissections. Identifiers: Orphanet 91387, MedGen C4707243, MONDO:0019625.

Allele frequency attached by ClinVar (database versions not stated): gnomAD exomes below 0.00001 and 0.00001.

Submissions (3):

Labcorp Genetics (formerly Invitae), Labcorp
Classification: Likely benign for Adams-Oliver syndrome 5. Last evaluated: 2026-01-18. Review status: criteria provided, single submitter. Criteria: Invitae Variant Classification Sherloc (09022015). Collection method: clinical testing. Allele origin: germline.

GeneDx
Classification: Uncertain significance. Last evaluated: 2024-05-02. Review status: criteria provided, single submitter. Criteria: GeneDx Variant Classification Process June 2021. Collection method: clinical testing. Allele origin: germline. Affected: yes.
Comment: Has not been previously published as pathogenic or benign to our knowledge; Not observed at significant frequency in large population cohorts (gnomAD); In silico analysis supports that this missense variant has a deleterious effect on protein structure/function

Ambry Genetics
Classification: Uncertain significance for Familial thoracic aortic aneurysm and aortic dissection. Last evaluated: 2023-06-25. Review status: criteria provided, single submitter. Criteria: Ambry Variant Classification Scheme 2023. Collection method: clinical testing. Allele origin: germline.
Comment: The p.R1854H variant (also known as c.5561G>A), located in coding exon 30 of the NOTCH1 gene, results from a G to A substitution at nucleotide position 5561. The arginine at codon 1854 is replaced by histidine, an amino acid with highly similar properties. This amino acid position is highly conserved in available vertebrate species. In addition, the in silico prediction for this alteration is inconclusive. Since supporting evidence is limited at this time, the clinical significance of this alteration remains unclear.